The following is an entry in ClinVar:

ClinVar aggregate classification (germline): Uncertain significance (1 of 4 stars; one submission).

Submission:

GeneDx
Classification: Uncertain significance. Last evaluated: 2024-10-07. Review status: criteria provided, single submitter. Criteria: GeneDx Variant Classification Process June 2021. Collection method: clinical testing. Allele origin: germline. Affected: yes.
Comment: Not observed at significant frequency in large population cohorts (gnomAD); Frameshift variant predicted to result in protein truncation or nonsense mediated decay in a gene or region of a gene for which loss of function is not a well-established mechanism of disease; Has not been previously published as pathogenic or benign to our knowledge

NM_005689.4(ABCB6):c.288_289insGCTGGCCGGTGGGC (p.Thr97fs)

Gene: ABCB6 (ATP binding cassette subfamily B member 6 (LAN blood group); minus strand). Cytogenetic location: 2q35.
Variant type: Insertion.
Coding change: c.288_289insGCTGGCCGGTGGGC on transcript NM_005689.4 (MANE Select); coding-DNA positions 288 to 289, GCTGGCCGGTGGGC inserted.
Protein change: p.Thr97fs; shifts the reading frame from threonine 97.
Molecular consequence: frameshift variant.
Genome position: GRCh38 VCF-style: chr2-219218385-T-TGCCCACCGGCCAGC. GRCh37 (hg19) VCF-style: chr2-220083107-T-TGCCCACCGGCCAGC.
Other names: c.288_289insGCTGGCCGGTGGGC, p.Thr97fs (NM_001349828.2); short protein forms T97fs.
Identifiers: ClinVar variation 3777337 (VCV003777337.1).